The following is an entry in ClinVar:

NM_022124.6(CDH23):c.146-125T>C

Genes: CDH23 (cadherin related 23; plus strand), CDH23-AS1 (CDH23 antisense RNA 1; minus strand). Cytogenetic location: 10q22.1.
Variant type: single nucleotide variant.
Coding change: c.146-125T>C on transcript NM_022124.6 (MANE Select); 125 bases into the intron before coding-DNA position 146, T replaced by C.
Molecular consequence: intron variant. On other transcripts: non-coding transcript variant (1).
Genome position (GRCh38, 1-based): chr10:71,509,957, T>C. VCF-style: chr10-71509957-T-C. GRCh37 (hg19) VCF-style: chr10-73269714-T-C.
Other names: c.146-125T>C (NM_001171930.2, NM_001171931.2, NM_052836.4 and 1 more transcripts).
Identifiers: ClinVar variation 678765 (VCV000678765.5), dbSNP rs2297953, ClinGen allele CA13342491.

ClinVar aggregate classification (germline): Benign. Review status: criteria provided, multiple submitters, no conflicts (2 of 4 stars). 5 submissions from 3 submitters: Benign (5). Last evaluated 2021-07-14.

Conditions:
Pituitary adenoma 5, multiple types. Identifiers: MedGen C4539685, MONDO:0054601, OMIM 617540.
Usher syndrome type 1D (USH1D). Also called: USHER SYNDROME, TYPE ID. Identifiers: Orphanet 231169, Orphanet 886, MedGen C1832845, MONDO:0010984, OMIM 601067.
Autosomal recessive nonsyndromic hearing loss 12. Also called: DEAFNESS, AUTOSOMAL RECESSIVE 12. Identifiers: Orphanet 90636, MedGen C1832394, MONDO:0011067, OMIM 601386.

Allele frequency attached by ClinVar (database versions not stated): gnomAD exomes 0.66348; TOPMed 0.72552; 1000 Genomes Project 0.73363; 1000 Genomes Project 30x 0.73438; gnomAD 0.73459 and 0.74120.
gnomAD v4.1: 707,624 of 1,049,302 alleles (67%); highest among the groups gnomAD compares: African/African-American, 93%; 242,736 homozygotes.

Submissions (5):

Genome-Nilou Lab
Classification: Benign for Autosomal recessive nonsyndromic hearing loss 12. Last evaluated: 2021-07-14. Review status: criteria provided, single submitter. Criteria: ACMG Guidelines, 2015. Collection method: clinical testing. Allele origin: germline. Affected: no.

Genome-Nilou Lab
Classification: Benign for Usher syndrome type 1D. Last evaluated: 2021-07-14. Review status: criteria provided, single submitter. Criteria: ACMG Guidelines, 2015. Collection method: clinical testing. Allele origin: germline. Affected: no.

Genome-Nilou Lab
Classification: Benign for Pituitary adenoma 5, multiple types. Last evaluated: 2021-07-14. Review status: criteria provided, single submitter. Criteria: ACMG Guidelines, 2015. Collection method: clinical testing. Allele origin: germline. Affected: no.

GeneDx
Classification: Benign. Last evaluated: 2018-06-14. Review status: criteria provided, single submitter. Criteria: GeneDx Variant Classification (06012015). Collection method: clinical testing. Allele origin: germline. Affected: yes.
Comment: This variant is considered likely benign or benign based on one or more of the following criteria: it is a conservative change, it occurs at a poorly conserved position in the protein, it is predicted to be benign by multiple in silico algorithms, and/or has population frequency not consistent with disease.

Breakthrough Genomics
Classification: Benign. Review status: criteria provided, single submitter. Criteria: ACMG Guidelines, 2015. Collection method: not provided. Allele origin: germline. Inheritance: Autosomal recessive inheritance. Affected: yes.